The following is an entry in ClinVar:

ClinVar aggregate classification (germline): Likely benign. Review status: criteria provided, multiple submitters, no conflicts (2 of 4 stars). 6 submissions from 6 submitters: Likely benign (6). Last evaluated 2025-12-03.

Conditions:
Inborn genetic diseases. Identifiers: MedGen C0950123, MeSH D030342.
Developmental and epileptic encephalopathy, 18 (DEE18). Also called: Early infantile epileptic encephalopathy 18. Identifiers: Orphanet 369894, MedGen C3809624, MONDO:0014201, OMIM 615476.

Allele frequency attached by ClinVar (database versions not stated): ExAC 0.00002; gnomAD exomes 0.00004; gnomAD 0.00012 and 0.00014; ESP Exome Variant Server 0.00015; TOPMed 0.00015.
gnomAD v4.1: 60 of 1,614,102 alleles (0.0037%); highest among the groups gnomAD compares: African/African-American, 0.033%; no homozygotes.

Submissions (6):

Labcorp Genetics (formerly Invitae), Labcorp
Classification: Likely benign. Last evaluated: 2025-12-03. Review status: criteria provided, single submitter. Criteria: Invitae Variant Classification Sherloc (09022015). Collection method: clinical testing. Allele origin: germline.

CeGaT Center for Human Genetics Tuebingen
Classification: Likely benign. Last evaluated: 2023-09-01. Review status: criteria provided, single submitter. Criteria: CeGaT Center For Human Genetics Tuebingen Variant Classification Criteria Version 2. Collection method: clinical testing. Allele origin: germline. Affected: yes. Observed: 1 variant allele.
Comment: SZT2: BP4

Blueprint Genetics
Classification: Likely benign. Last evaluated: 2023-04-26. Review status: criteria provided, single submitter. Criteria: ACMG Guidelines, 2015. Collection method: clinical testing. Allele origin: germline.

Genome-Nilou Lab
Classification: Likely benign for Developmental and epileptic encephalopathy, 18. Last evaluated: 2023-04-11. Review status: criteria provided, single submitter. Criteria: ACMG Guidelines, 2015. Collection method: clinical testing. Allele origin: germline. Affected: no.

GeneDx
Classification: Likely benign. Last evaluated: 2019-02-13. Review status: criteria provided, single submitter. Criteria: GeneDx Variant Classification Process June 2021. Collection method: clinical testing. Allele origin: germline. Affected: yes.

Ambry Genetics
Classification: Likely benign for Inborn genetic diseases. Last evaluated: 2016-09-08. Review status: criteria provided, single submitter. Criteria: Ambry Variant Classification Scheme 2023. Collection method: clinical testing. Allele origin: germline.

NM_001365999.1(SZT2):c.4524G>A (p.Glu1508=)

Gene: SZT2 (SZT2 subunit of KICSTOR complex; plus strand). Cytogenetic location: 1p34.2.
Variant type: single nucleotide variant.
Coding change: c.4524G>A on transcript NM_001365999.1 (MANE Select); coding-DNA position 4524, G replaced by A.
Protein change: p.Glu1508=; no amino-acid change (glutamic acid 1508 retained).
Molecular consequence: synonymous variant.
Genome position (GRCh38, 1-based): chr1:43,430,539, G>A. VCF-style: chr1-43430539-G-A. GRCh37 (hg19) VCF-style: chr1-43896210-G-A.
Other names: c.4353G>A, p.Glu1451= (NM_015284.4).
Identifiers: ClinVar variation 588252 (VCV000588252.40), dbSNP rs146416049, ClinGen allele CA809322.
Genomic context (GRCh38, chr1:43,430,539, plus strand): 5'-GTGACATGCACTACTAGGAGACACATCTGCCTGCTGTGTGGTCACTGAGAGTGACCCAGA[G>A]CTAGAGGTAGAATACCGGGAGAGCCGTGAATCAGACCTGGGGCCTGCTGGGCTAGACTCT-3'
Protein context (NP_001352928.1, residues 1498-1518): ACCVVTESDP[Glu1508=]LEVEYRESRE